The following is an entry in ClinVar:

NM_032977.4(CASP10):c.1349G>A (p.Arg450Gln)

Gene: CASP10 (caspase 10; plus strand). Cytogenetic location: 2q33.1.
Variant type: single nucleotide variant.
Coding change: c.1349G>A on transcript NM_032977.4 (MANE Select); coding-DNA position 1349, G replaced by A.
Protein change: p.Arg450Gln; replaces arginine 450 with glutamine.
Molecular consequence: missense variant. On other transcripts: 3 prime UTR variant (1).
Genome position (GRCh38, 1-based): chr2:201,209,496, G>A. VCF-style: chr2-201209496-G-A. GRCh37 (hg19) VCF-style: chr2-202074219-G-A.
Other names: c.1148G>A, p.Arg383Gln (NM_001206524.2); c.1220G>A, p.Arg407Gln (NM_001206542.2, NM_001230.5); c.1349G>A, p.Arg450Gln (NM_032974.5); c.*435G>A (NM_032976.4); short protein forms R450Q, R407Q, R383Q.
Identifiers: ClinVar variation 1903789 (VCV001903789.7), dbSNP rs949451411, ClinGen allele CA63866508.

ClinVar aggregate classification (germline): Uncertain significance. Review status: criteria provided, multiple submitters, no conflicts (2 of 4 stars). 3 submissions from 3 submitters: Uncertain significance (3). Last evaluated 2025-08-09.

Conditions:
Autoimmune lymphoproliferative syndrome type 2A (ALPS2A). Also called: Autoimmune lymphoproliferative syndrome type 2; CASP10-Related Autoimmune Lymphoproliferative Syndrome; AUTOIMMUNE LYMPHOPROLIFERATIVE SYNDROME, TYPE IIA. Identifiers: Orphanet 3261, MedGen C1858968, MONDO:0011383, OMIM 603909.

Allele frequency attached by ClinVar (database versions not stated): gnomAD 0.00001; TOPMed 0.00001.
gnomAD v4.1: 18 of 1,613,414 alleles (0.0011%); highest among the groups gnomAD compares: Admixed American, 0.0033%; no homozygotes.

Submissions (3):

Labcorp Genetics (formerly Invitae), Labcorp
Classification: Uncertain significance for Autoimmune lymphoproliferative syndrome type 2A. Last evaluated: 2025-08-09. Review status: criteria provided, single submitter. Criteria: Invitae Variant Classification Sherloc (09022015). Collection method: clinical testing. Allele origin: germline.
Comment: This sequence change replaces arginine, which is basic and polar, with glutamine, which is neutral and polar, at codon 450 of the CASP10 protein (p.Arg450Gln). This variant is present in population databases (no rsID available, gnomAD 0.003%). This variant has not been reported in the literature in individuals affected with CASP10-related conditions. ClinVar contains an entry for this variant (Variation ID: 1903789). Invitae Evidence Modeling of protein sequence and biophysical properties (such as structural, functional, and spatial information, amino acid conservation, physicochemical variation, residue mobility, and thermodynamic stability) has been performed for this missense variant. However, the output from this modeling did not meet the statistical confidence thresholds required to predict the impact of this variant on CASP10 protein function. In summary, the available evidence is currently insufficient to determine the role of this variant in disease. Therefore, it has been classified as a Variant of Uncertain Significance.

Ambry Genetics
Classification: Uncertain significance. Last evaluated: 2024-03-19. Review status: criteria provided, single submitter. Criteria: Ambry Variant Classification Scheme 2023. Collection method: clinical testing. Allele origin: germline.

St. Jude Molecular Pathology, St. Jude Children's Research Hospital
Classification: Uncertain significance for Autoimmune lymphoproliferative syndrome type 2A. Last evaluated: 2023-11-16. Review status: criteria provided, single submitter. Criteria: St. Jude Assertion Criteria 2020. Collection method: clinical testing. Allele origin: germline.
Comment: The CASP10 c.1349G>A (p.Arg450Gln) missense change has a maximum subpopulation frequency of 0.0029% in gnomAD v2.1.1. The in silico tool REVEL is inconclusive about a pathogenic or benign effect of this variant on protein function, and to our knowledge functional studies have not been performed. To our knowledge, this variant has not been reported in the literature in individuals with autoimmune lymphoproliferative syndrome. In summary, the evidence currently available is insufficient to determine the clinical significance of this variant. It has therefore been classified as of uncertain significance.